The following is an entry in ClinVar:

NM_016203.4(PRKAG2):c.*1030T>G

Gene: PRKAG2 (protein kinase AMP-activated non-catalytic subunit gamma 2; minus strand). Cytogenetic location: 7q36.1.
Variant type: single nucleotide variant.
Coding change: c.*1030T>G on transcript NM_016203.4 (MANE Select); 1030 bases downstream of the stop codon, T replaced by G.
Molecular consequence: 3 prime UTR variant.
Genome position (GRCh38, 1-based): chr7:151,556,171, A>C on the plus strand (T>G on the coding strand, the complement: PRKAG2 is on the minus strand). VCF-style: chr7-151556171-A-C. GRCh37 (hg19) VCF-style: chr7-151253257-A-C.
Other names: c.*1030T>G (NM_001040633.2, NM_001304527.2, NM_001304531.2 and 2 more transcripts).
Identifiers: ClinVar variation 910746 (VCV000910746.35), dbSNP rs867502251, ClinGen allele CA169161979.
Genomic context (GRCh38, chr7:151,556,171, plus strand): 5'-TTCTTTAACAAAATGGTAGATAGTAGGATCTATTTTAATTTTTCAATCTGAAAAAAAAAA[A>C]CCCAAAACAAAAAAAAAACAAACTATCCTCATATATATATATACAGTGTCAACATTTTCA-3'

ClinVar aggregate classification (germline): Conflicting classifications of pathogenicity. Review status: criteria provided, conflicting classifications (1 of 4 stars). 3 submissions from 2 submitters: Uncertain significance (2); Benign (1). Last evaluated 2023-03-01.

Conditions:
Hypertrophic cardiomyopathy 6. Identifiers: MedGen C1833236, MONDO:0010946, OMIM 600858.
Wolff-Parkinson-White pattern. Also called: Auriculoventricular accessory pathway syndrome; False bundle branch block syndrome; Anomalous ventricular excitation syndrome; WPW SYNDROME. Identifiers: MedGen C0043202, MONDO:0008685, OMIM 194200, HP:0001716.

Allele frequency attached by ClinVar (database versions not stated): gnomAD 0.00010 and 0.00014.

Submissions (3):

CeGaT Center for Human Genetics Tuebingen
Classification: Benign. Last evaluated: 2023-03-01. Review status: criteria provided, single submitter. Criteria: CeGaT Center For Human Genetics Tuebingen Variant Classification Criteria Version 2. Collection method: clinical testing. Allele origin: germline. Affected: yes. Observed: 4 variant alleles.
Comment: PRKAG2: BS1, BS2

Illumina Laboratory Services, Illumina
Classification: Uncertain significance for Wolff-Parkinson-White pattern. Last evaluated: 2018-01-13. Review status: criteria provided, single submitter. Criteria: ICSL Variant Classification Criteria 13 December 2019. Collection method: clinical testing. Allele origin: germline.

Illumina Laboratory Services, Illumina
Classification: Uncertain significance for Hypertrophic cardiomyopathy 6. Last evaluated: 2018-01-13. Review status: criteria provided, single submitter. Criteria: ICSL Variant Classification Criteria 13 December 2019. Collection method: clinical testing. Allele origin: germline.